The following is an entry in ClinVar:

NM_001267550.2(TTN):c.42154A>G (p.Ile14052Val)

Gene: TTN (titin; minus strand). Cytogenetic location: 2q31.2.
Variant type: single nucleotide variant.
Coding change: c.42154A>G on transcript NM_001267550.2 (MANE Select); coding-DNA position 42154, A replaced by G.
Protein change: p.Ile14052Val; replaces isoleucine 14052 with valine.
Molecular consequence: missense variant.
Genome position (GRCh38, 1-based): chr2:178,634,627, T>C on the plus strand (A>G on the coding strand, the complement: TTN is on the minus strand). VCF-style: chr2-178634627-T-C. GRCh37 (hg19) VCF-style: chr2-179499354-T-C.
Other names: c.37231A>G, p.Ile12411Val (NM_001256850.1); c.14959A>G, p.Ile4987Val (NM_003319.4); c.34450A>G, p.Ile11484Val (NM_133378.4); c.15334A>G, p.Ile5112Val (NM_133432.3); c.15535A>G, p.Ile5179Val (NM_133437.4); short protein forms I11484V, I12411V, I14052V, I4987V, I5112V, I5179V.
Identifiers: ClinVar variation 3895101 (VCV003895101.3).

ClinVar aggregate classification (germline): Conflicting classifications of pathogenicity. Review status: criteria provided, conflicting classifications (1 of 4 stars). 2 submissions from 2 submitters: Uncertain significance (1); Likely benign (1). Last evaluated 2025-04-09.

gnomAD v4.1: 1 of 1,612,916 alleles (0.000062%); highest among the groups gnomAD compares: Non-Finnish European, 0.000085%; no homozygotes.

Submissions (2):

Molecular Diagnostic Laboratory for Inherited Cardiovascular Disease, Montreal Heart Institute
Classification: Likely benign. Last evaluated: 2025-04-09. Review status: criteria provided, single submitter. Criteria: ACMG Guidelines, 2015. Collection method: clinical testing. Allele origin: germline. Affected: no.
Comment: BP1

Dasa
Classification: Uncertain significance. Last evaluated: 2024-10-29. Review status: criteria provided, single submitter. Criteria: DASA Assertion Criteria. Collection method: clinical testing. Allele origin: germline.
Comment: NM_001267550.2(TTN):c.42154A>G (p.Ile14052Val) is a missense variant that results in the substitution of isoleucine with valine. This variant is rare in population databases. The currently available literature and clinical evidence are not sufficient to establish a definitive association between this variant and the reported condition. Therefore, this variant is classified as a variant of uncertain significance.